The following is an entry in ClinVar:

NM_207111.4(RNF216):c.2375A>C (p.Asp792Ala)

Gene: RNF216 (ring finger protein 216; minus strand). Cytogenetic location: 7p22.1.
Variant type: single nucleotide variant.
Coding change: c.2375A>C on transcript NM_207111.4 (MANE Select); coding-DNA position 2375, A replaced by C.
Protein change: p.Asp792Ala; replaces aspartic acid 792 with alanine.
Molecular consequence: missense variant.
Genome position (GRCh38, 1-based): chr7:5,641,161, T>G on the plus strand (A>C on the coding strand, the complement: RNF216 is on the minus strand). VCF-style: chr7-5641161-T-G. GRCh37 (hg19) VCF-style: chr7-5680792-T-G.
Other names: c.2204A>C, p.Asp735Ala (NM_001377156.1, NM_207116.3); short protein forms D735A, D792A.
Identifiers: ClinVar variation 1696861 (VCV001696861.3), dbSNP rs2128567359, ClinGen allele CA366710215.

ClinVar aggregate classification (germline): Uncertain significance (0 of 4 stars; one submission).

Conditions:
Cerebellar ataxia-hypogonadism syndrome. Also called: Gordon Holmes syndrome; CEREBELLAR ATAXIA AND HYPOGONADOTROPIC HYPOGONADISM; LHRH DEFICIENCY AND ATAXIA; Luteinizing hormone releasing hormone, deficiency of with ataxia; Cerebellar ataxia hypogonadotropic hypogonadism. Identifiers: Orphanet 1173, MedGen C1859305, MONDO:0008935, OMIM 212840.

Submission:

Center for Human Genetics and Genomic Medicine, Uniklinik Rwth Aachen
Classification: Uncertain significance for Cerebellar ataxia-hypogonadism syndrome. Last evaluated: 2022-06-07. Review status: no assertion criteria provided. Collection method: clinical testing. Allele origin: unknown. Inheritance: Autosomal recessive inheritance. Affected: yes.
Comment: The variant is not present in population databases and it has not yet been reported in the literature. The affected amino acid is highly conserved in various species and bioinformatic tools predict pathogenicity. We therefore consider it a variant of unknown significance.